The following is an entry in ClinVar:

NM_000138.5(FBN1):c.5355G>T (p.Met1785Ile)

Gene: FBN1 (fibrillin 1; minus strand). Cytogenetic location: 15q21.1.
Variant type: single nucleotide variant.
Coding change: c.5355G>T on transcript NM_000138.5 (MANE Select); coding-DNA position 5355, G replaced by T.
Protein change: p.Met1785Ile; replaces methionine 1785 with isoleucine.
Molecular consequence: missense variant.
Genome position (GRCh38, 1-based): chr15:48,456,704, C>A on the plus strand (G>T on the coding strand, the complement: FBN1 is on the minus strand). VCF-style: chr15-48456704-C-A. GRCh37 (hg19) VCF-style: chr15-48748901-C-A.
Other names: short protein forms M1785I.
Identifiers: ClinVar variation 926630 (VCV000926630.4), dbSNP rs2043240928, ClinGen allele CA392346115.
Genomic context (GRCh38, chr15:48,456,704, plus strand): 5'-AACCAACAACTTGTCATTATAGAAGAATCCCACTGGACATTCACATCGGAAGCTGCCAAC[C>A]ATGTTGATACACACTCCATTTTCACAGACCCCTGGGATCTCCCGGCACTCATCAATATCT-3'
Protein context (NP_000129.3, residues 1775-1795): GVCENGVCIN[Met1785Ile]VGSFRCECPV

ClinVar aggregate classification (germline): Uncertain significance (1 of 4 stars; one submission).

Conditions:
Familial thoracic aortic aneurysm and aortic dissection (TAAD). Also called: Thoracic aortic aneurysms and dissections. Identifiers: Orphanet 91387, MedGen C4707243, MONDO:0019625.

Submission:

Color Diagnostics, LLC DBA Color Health
Classification: Uncertain significance for Familial thoracic aortic aneurysm and aortic dissection. Last evaluated: 2024-03-06. Review status: criteria provided, single submitter. Criteria: ACMG Guidelines, 2015. Collection method: clinical testing. Allele origin: germline.
Comment: This missense variant replaces methionine with isoleucine at codon 1785 of the FBN1 protein. Computational prediction tool suggests that this variant may not impact protein structure and function (internally defined REVEL score threshold <=0.5, PMID: 27666373). Splice site prediction tools suggest that this variant may not impact RNA splicing. To our knowledge, functional studies have not been performed for this variant. This variant has not been reported in individuals affected with cardiovascular disorders in the literature. This variant has not been identified in the general population by the Genome Aggregation Database (gnomAD). The available evidence is insufficient to determine the role of this variant in disease conclusively. Therefore, this variant is classified as a Variant of Uncertain Significance.